The following is an entry in ClinVar:

ClinVar aggregate classification (germline): Pathogenic (1 of 4 stars; one submission).

Conditions:
Ataxia-telangiectasia syndrome (AT). Also called: AT, COMPLEMENTATION GROUP C; Cerebello-oculocutaneous telangiectasia; Immunodeficiency with ataxia telangiectasia; Ataxia-telangiectasia, complementation group D; ATAXIA-TELANGIECTASIA, FRESNO VARIANT; Ataxia-telangiectasia, complementation group E. Identifiers: Orphanet 100, MedGen C0004135, MONDO:0008840, OMIM 208900.

Submission:

Labcorp Genetics (formerly Invitae), Labcorp
Classification: Pathogenic for Ataxia-telangiectasia syndrome. Last evaluated: 2018-01-20. Review status: criteria provided, single submitter. Criteria: Invitae Variant Classification Sherloc (09022015). Collection method: clinical testing. Allele origin: germline.
Comment: For these reasons, this variant has been classified as Pathogenic. Loss-of-function variants in ATM are known to be pathogenic (PMID: 23807571, 25614872). This variant has not been reported in the literature in individuals with ATM-related disease. This variant is not present in population databases (ExAC no frequency). This sequence change creates a premature translational stop signal (p.Val1528Cysfs*15) in the ATM gene. It is expected to result in an absent or disrupted protein product.

Literature cited by the submitters: PubMed 23807571; PubMed 25614872.

NM_000051.4(ATM):c.4579del (p.Val1528fs)

Gene: ATM (ATM serine/threonine kinase; plus strand). Cytogenetic location: 11q22.3.
Variant type: Deletion.
Coding change: c.4579del on transcript NM_000051.4 (MANE Select); coding-DNA position 4579, one base deleted (C; older notation c.4579delC).
Protein change: p.Val1528fs; shifts the reading frame from valine 1528.
Molecular consequence: frameshift variant.
Genome position (GRCh38, 1-based): chr11:108,292,761, C deleted; the last of 4 consecutive C bases (chr11:108,292,758-108,292,761); deleting any one gives the same sequence. VCF-style (leftmost placement, unchanged base first): chr11-108292757-AC-A. GRCh37 (hg19) VCF-style: chr11-108163484-AC-A.
Other names: c.4579delC (NM_000051.3); c.4579del, p.Val1528fs (NM_001351834.2); short protein forms V1528fs.
Identifiers: ClinVar variation 574045 (VCV000574045.5), dbSNP rs1565461674, ClinGen allele CA891842925.